The following is an entry in ClinVar:

NM_004429.5(EFNB1):c.467G>A (p.Arg156His)

Gene: EFNB1 (ephrin B1; plus strand). Cytogenetic location: Xq13.1.
Variant type: single nucleotide variant.
Coding change: c.467G>A on transcript NM_004429.5 (MANE Select); coding-DNA position 467, G replaced by A.
Protein change: p.Arg156His; replaces arginine 156 with histidine.
Molecular consequence: missense variant.
Genome position (GRCh38, 1-based): chrX:68,839,724, G>A. VCF-style: chrX-68839724-G-A. GRCh37 (hg19) VCF-style: chrX-68059567-G-A.
Other names: short protein forms R156H.
Identifiers: ClinVar variation 2868727 (VCV002868727.3), dbSNP rs2080471631, ClinGen allele CA413438016.
Genomic context (GRCh38, chrX:68,839,724, plus strand): 5'-CAACATCCAATGGAAGCCTGGAGGGGCTGGAAAACCGGGAGGGCGGTGTGTGCCGCACAC[G>A]CACCATGAAGATCATCATGAAGGTTGGGCAAGGTGAGTGCCTAGTCTGAGGGTCCCCTCA-3'
Protein context (NP_004420.1, residues 146-166): ENREGGVCRT[Arg156His]TMKIIMKVGQ

ClinVar aggregate classification (germline): Uncertain significance (1 of 4 stars; one submission).

Allele frequency attached by ClinVar (database versions not stated): gnomAD 0.00001; TOPMed 0.00002.
gnomAD v4.1: 4 of 1,209,610 alleles (0.00033%); highest among the groups gnomAD compares: Admixed American, 0.0022%; no homozygotes.

Submission:

Labcorp Genetics (formerly Invitae), Labcorp
Classification: Uncertain significance. Last evaluated: 2023-04-20. Review status: criteria provided, single submitter. Criteria: Invitae Variant Classification Sherloc (09022015). Collection method: clinical testing. Allele origin: germline.
Comment: This sequence change replaces arginine, which is basic and polar, with histidine, which is basic and polar, at codon 156 of the EFNB1 protein (p.Arg156His). This variant is not present in population databases (gnomAD no frequency). This variant has not been reported in the literature in individuals affected with EFNB1-related conditions. Advanced modeling of protein sequence and biophysical properties (such as structural, functional, and spatial information, amino acid conservation, physicochemical variation, residue mobility, and thermodynamic stability) performed at Invitae indicates that this missense variant is not expected to disrupt EFNB1 protein function. In summary, the available evidence is currently insufficient to determine the role of this variant in disease. Therefore, it has been classified as a Variant of Uncertain Significance.